The following is an entry in ClinVar:

ClinVar aggregate classification (germline): Uncertain significance (1 of 4 stars; one submission).

Conditions:
Inborn genetic diseases. Identifiers: MedGen C0950123, MeSH D030342.

Submission:

Ambry Genetics
Classification: Uncertain significance for Inborn genetic diseases. Last evaluated: 2023-07-27. Review status: criteria provided, single submitter. Criteria: Ambry Variant Classification Scheme 2023. Collection method: clinical testing. Allele origin: germline.
Comment: The p.M100V variant (also known as c.298A>G), located in coding exon 3 of the LRRK2 gene, results from an A to G substitution at nucleotide position 298. The methionine at codon 100 is replaced by valine, an amino acid with highly similar properties. This amino acid position is conserved. In addition, this alteration is predicted to be tolerated by in silico analysis. Since supporting evidence is limited at this time, the clinical significance of this alteration remains unclear.

NM_198578.4(LRRK2):c.298A>G (p.Met100Val)

Gene: LRRK2 (leucine rich repeat kinase 2; plus strand). Cytogenetic location: 12q12.
Variant type: single nucleotide variant.
Coding change: c.298A>G on transcript NM_198578.4 (MANE Select); coding-DNA position 298, A replaced by G.
Protein change: p.Met100Val; replaces methionine 100 with valine.
Molecular consequence: missense variant.
Genome position (GRCh38, 1-based): chr12:40,232,334, A>G. VCF-style: chr12-40232334-A-G. GRCh37 (hg19) VCF-style: chr12-40626136-A-G.
Other names: short protein forms M100V.
Identifiers: ClinVar variation 2587273 (VCV002587273.2), dbSNP rs2499381592, ClinGen allele CA384401548.